The following is an entry in ClinVar:

NM_014297.5(ETHE1):c.149T>A (p.Leu50Gln)

Gene: ETHE1 (ETHE1 persulfide dioxygenase; minus strand). Cytogenetic location: 19q13.31.
Variant type: single nucleotide variant.
Coding change: c.149T>A on transcript NM_014297.5 (MANE Select); coding-DNA position 149, T replaced by A.
Protein change: p.Leu50Gln; replaces leucine 50 with glutamine.
Molecular consequence: missense variant. On other transcripts: 5 prime UTR variant (1), intron variant (1).
Genome position (GRCh38, 1-based): chr19:43,526,592, A>T on the plus strand (T>A on the coding strand, the complement: ETHE1 is on the minus strand). VCF-style: chr19-43526592-A-T. GRCh37 (hg19) VCF-style: chr19-44030744-A-T.
Other names: c.149T>A, p.Leu50Gln (NM_001320867.2); c.-72T>A (NM_001320868.2); c.81+505T>A (NM_001320869.2); short protein forms L50Q.
Identifiers: ClinVar variation 432687 (VCV000432687.11), dbSNP rs1309080740, ClinGen allele CA406181406.

ClinVar aggregate classification (germline): Uncertain significance. Review status: criteria provided, multiple submitters, no conflicts (2 of 4 stars). 3 submissions from 3 submitters: Uncertain significance (2). 1 of the submissions does not count toward it. Last evaluated 2021-08-12.

Conditions:
Ethylmalonic encephalopathy (EE). Also called: EPEMA syndrome; Encephalopathy, petechiae, and ethylmalonic aciduria; Syndrome of encephalopathy, petechiae, and ethylmalonic aciduria. Identifiers: Orphanet 51188, MedGen C1865349, MONDO:0011229, OMIM 602473. Disease mechanism: loss of function.

Allele frequency attached by ClinVar (database versions not stated): gnomAD exomes below 0.00001.
gnomAD v4.1: 1 of 1,614,120 alleles (0.000062%); highest among the groups gnomAD compares: Admixed American, 0.0017%; no homozygotes.

Submissions (3):

Labcorp Genetics (formerly Invitae), Labcorp
Classification: Uncertain significance for Ethylmalonic encephalopathy. Last evaluated: 2021-08-12. Review status: criteria provided, single submitter. Criteria: Invitae Variant Classification Sherloc (09022015). Collection method: clinical testing. Allele origin: germline.
Comment: This sequence change replaces leucine with glutamine at codon 50 of the ETHE1 protein (p.Leu50Gln). The leucine residue is moderately conserved and there is a moderate physicochemical difference between leucine and glutamine. This variant is not present in population databases (ExAC no frequency). This missense change has been observed in individual(s) with clinical features of ETHE1-related conditions (Invitae). ClinVar contains an entry for this variant (Variation ID: 432687). Algorithms developed to predict the effect of missense changes on protein structure and function are either unavailable or do not agree on the potential impact of this missense change (SIFT: "Deleterious"; PolyPhen-2: "Probably Damaging"; Align-GVGD: "Class C0"). In summary, the available evidence is currently insufficient to determine the role of this variant in disease. Therefore, it has been classified as a Variant of Uncertain Significance.

GeneDx
Classification: Uncertain significance. Last evaluated: 2017-06-14. Review status: criteria provided, single submitter. Criteria: GeneDx Variant Classification (06012015). Collection method: clinical testing. Allele origin: germline. Affected: yes.
Comment: The L50Q variant in the ETHE1 gene has not been reported previously as a pathogenic variant, nor as a benign variant, to our knowledge. The L50Q variant is not observed in large population cohorts (Lek et al., 2016; 1000 Genomes Consortium et al., 2015; Exome Variant Server). The L50Q variant is a non-conservative amino acid substitution, which is likely to impact secondary protein structure as these residues differ in polarity, charge, size and/or other properties. This substitution occurs at a position that is conserved across species. In silico analysis predicts this variant is probably damaging to the protein structure/function. We interpret L50Q as a variant of uncertain significance.

Natera, Inc.
Classification: Uncertain significance for Ethylmalonic encephalopathy. Last evaluated: 2021-10-12. Review status: no assertion criteria provided. Collection method: clinical testing. Allele origin: germline. Not counted in ClinVar's aggregate classification.